The following is an entry in ClinVar:

NM_001329943.3(KIAA0586):c.1152A>C (p.Gln384His)

Gene: KIAA0586 (KIAA0586; plus strand). Cytogenetic location: 14q23.1.
Variant type: single nucleotide variant.
Coding change: c.1152A>C on transcript NM_001329943.3 (MANE Select); coding-DNA position 1152, A replaced by C.
Protein change: p.Gln384His; replaces glutamine 384 with histidine.
Molecular consequence: missense variant.
Genome position (GRCh38, 1-based): chr14:58,453,372, A>C. VCF-style: chr14-58453372-A-C. GRCh37 (hg19) VCF-style: chr14-58920090-A-C.
Other names: c.1311A>C, p.Gln437His (NM_001244189.2); c.1107A>C, p.Gln369His (NM_001244190.2); c.897A>C, p.Gln299His (NM_001244191.2, NM_001329945.2, NM_001364700.1 and 1 more transcripts); c.1020A>C, p.Gln340His (NM_001244192.2); c.732A>C, p.Gln244His (NM_001244193.2); c.1152A>C, p.Gln384His (NM_001329944.2, NM_001329946.2, NM_001329947.2 and 1 more transcripts); short protein forms Q244H, Q299H, Q369H, Q340H, Q384H, Q437H.
Identifiers: ClinVar variation 1498484 (VCV001498484.8), dbSNP rs963677243, ClinGen allele CA261620254.

ClinVar aggregate classification (germline): Uncertain significance (1 of 4 stars; one submission).

Conditions:
Joubert syndrome 23 (JBTS23). Identifiers: Orphanet 475, MedGen C4084822, MONDO:0014664, OMIM 616490.
Short-rib thoracic dysplasia 14 with polydactyly (SRTD14). Identifiers: Orphanet 397715, MedGen C4225286, MONDO:0014688, OMIM 616546.

Allele frequency attached by ClinVar (database versions not stated): TOPMed 0.00001.
gnomAD v4.1: 4 of 1,384,462 alleles (0.00029%); highest among the groups gnomAD compares: African/African-American, 0.0029%; no homozygotes.

Submission:

Labcorp Genetics (formerly Invitae), Labcorp
Classification: Uncertain significance for Joubert syndrome 23; Short-rib thoracic dysplasia 14 with polydactyly. Last evaluated: 2022-02-05. Review status: criteria provided, single submitter. Criteria: Invitae Variant Classification Sherloc (09022015). Collection method: clinical testing. Allele origin: germline.
Comment: In summary, the available evidence is currently insufficient to determine the role of this variant in disease. Therefore, it has been classified as a Variant of Uncertain Significance. Algorithms developed to predict the effect of missense changes on protein structure and function are either unavailable or do not agree on the potential impact of this missense change (SIFT: "Tolerated"; PolyPhen-2: "Probably Damaging"; Align-GVGD: "Class C0"). This variant has not been reported in the literature in individuals affected with KIAA0586-related conditions. This variant is present in population databases (no rsID available, gnomAD 0.02%). This sequence change replaces glutamine, which is neutral and polar, with histidine, which is basic and polar, at codon 437 of the KIAA0586 protein (p.Gln437His).